The following is an entry in ClinVar:

NM_001123385.2(BCOR):c.716C>T (p.Thr239Ile)

Genes: BCOR (BCL6 corepressor; minus strand), LOC126863239 (MED14-independent group 3 enhancer GRCh37_chrX:39932994-39934193; plus strand). Cytogenetic location: Xp11.4.
Variant type: single nucleotide variant.
Coding change: c.716C>T on transcript NM_001123385.2 (MANE Select); coding-DNA position 716, C replaced by T.
Protein change: p.Thr239Ile; replaces threonine 239 with isoleucine.
Molecular consequence: missense variant.
Genome position (GRCh38, 1-based): chrX:40,074,630, G>A on the plus strand (C>T on the coding strand, the complement: BCOR is on the minus strand). VCF-style: chrX-40074630-G-A. GRCh37 (hg19) VCF-style: chrX-39933883-G-A.
Other names: c.716C>T, p.Thr239Ile (NM_001123383.2, NM_001123384.2, NM_017745.6); short protein forms T239I.
Identifiers: ClinVar variation 2628068 (VCV002628068.2), dbSNP rs2147264581, ClinGen allele CA412748128.

ClinVar aggregate classification (germline): Uncertain significance (1 of 4 stars; one submission).

Conditions:
Anterior segment dysgenesis 8 (ASGD8). Identifiers: Orphanet 519388, MedGen C4310622, MONDO:0015017, OMIM 617319.

Submission:

DBGen Ocular Genomics
Classification: Uncertain significance for Anterior segment dysgenesis 8. Last evaluated: 2021-01-01. Review status: criteria provided, single submitter. Criteria: ACMG Guidelines, 2015. Collection method: clinical testing. Allele origin: unknown. Inheritance: X-linked inheritance. Affected: yes.
Comment: Class 3 ACMG Guidelines, 2015